The following is an entry in ClinVar:

NM_198576.4(AGRN):c.4452C>T (p.Thr1484=)

Gene: AGRN (agrin; plus strand). Cytogenetic location: 1p36.33.
Variant type: single nucleotide variant.
Coding change: c.4452C>T on transcript NM_198576.4 (MANE Select); coding-DNA position 4452, C replaced by T.
Protein change: p.Thr1484=; no amino-acid change (threonine 1484 retained).
Molecular consequence: synonymous variant.
Genome position (GRCh38, 1-based): chr1:1,049,389, C>T. VCF-style: chr1-1049389-C-T. GRCh37 (hg19) VCF-style: chr1-984769-C-T.
Other names: p.Thr1484=; c.4452C>T (LRG_198t1); c.4452C>T, p.Thr1484= (NM_001305275.2); c.4137C>T, p.Thr1379= (NM_001364727.2).
Identifiers: ClinVar variation 128308 (VCV000128308.22), dbSNP rs75767981, ClinGen allele CA151657.

ClinVar aggregate classification (germline): Benign/Likely benign. Review status: criteria provided, multiple submitters, no conflicts (2 of 4 stars). 6 submissions from 6 submitters: Benign (3); Likely benign (2). 1 of the submissions does not count toward it. Last evaluated 2026-01-27.

Conditions:
Congenital myasthenic syndrome 8. Also called: Myasthenic syndrome, congenital, 8, with pre- and postsynaptic defects; MYASTHENIC SYNDROME, CONGENITAL, DUE TO AGRIN DEFICIENCY. Identifiers: Orphanet 590, MedGen C3808739, MONDO:0014052, OMIM 615120.

Allele frequency attached by ClinVar (database versions not stated): TOPMed 0.01071; 1000 Genomes Project 30x 0.01077; 1000 Genomes Project 0.01078; gnomAD 0.00984 and 0.01049; ESP Exome Variant Server 0.01007; gnomAD exomes 0.00100 and 0.00265; ExAC 0.00329.
gnomAD v4.1: 3,045 of 1,598,830 alleles (0.19%); highest among the groups gnomAD compares: African/African-American, 3.5%; 46 homozygotes.

Submissions (6):

Labcorp Genetics (formerly Invitae), Labcorp
Classification: Benign for Congenital myasthenic syndrome 8. Last evaluated: 2026-01-27. Review status: criteria provided, single submitter. Criteria: Invitae Variant Classification Sherloc (09022015). Collection method: clinical testing. Allele origin: germline.

Mayo Clinic Laboratories, Mayo Clinic
Classification: Benign. Last evaluated: 2023-09-27. Review status: criteria provided, single submitter. Criteria: ACMG Guidelines, 2015. Collection method: clinical testing. Allele origin: germline. Observed: 3 variant alleles.
Comment: BS1, BS2, BP4, BP7

GeneDx
Classification: Likely benign. Last evaluated: 2020-12-14. Review status: criteria provided, single submitter. Criteria: GeneDx Variant Classification Process June 2021. Collection method: clinical testing. Allele origin: germline. Affected: yes.

Breakthrough Genomics
Classification: Likely benign. Review status: criteria provided, single submitter. Criteria: ACMG Guidelines, 2015. Collection method: not provided. Allele origin: germline. Inheritance: Autosomal recessive inheritance. Affected: yes.

PreventionGenetics, part of Exact Sciences
Classification: Benign. Review status: criteria provided, single submitter. Criteria: ACMG Guidelines, 2015. Collection method: clinical testing. Allele origin: germline.

Genetic Services Laboratory, University of Chicago
Classification: Likely benign for AllHighlyPenetrant. Review status: no assertion criteria provided. Collection method: clinical testing. Allele origin: germline. Inheritance: Autosomal recessive inheritance. Not counted in ClinVar's aggregate classification.
Comment: Likely benign based on allele frequency in 1000 Genomes Project or ESP global frequency and its presence in a patient with a rare or unrelated disease phenotype. NOT Sanger confirmed.